The following is an entry in ClinVar:

ClinVar aggregate classification (germline): Pathogenic. Review status: criteria provided, multiple submitters, no conflicts (2 of 4 stars). 4 submissions from 4 submitters: Pathogenic (4). Last evaluated 2024-01-29.

Conditions:
Hereditary cancer-predisposing syndrome. Also called: Hereditary Cancer Syndrome; Neoplastic Syndromes, Hereditary; Tumor predisposition; Hereditary neoplastic syndrome. Identifiers: Orphanet 140162, MedGen C0027672, MeSH D009386, MONDO:0015356.
Familial cancer of breast. Also called: BREAST CANCER, FAMILIAL; Hereditary breast cancer; hereditary breast carcinoma. Identifiers: Orphanet 227535, MedGen C0346153, MONDO:0016419, OMIM 114480. Disease mechanism: loss of function.
Ataxia-telangiectasia syndrome (AT). Also called: Cerebello-oculocutaneous telangiectasia; Immunodeficiency with ataxia telangiectasia; Ataxia-telangiectasia, complementation group E; Ataxia-telangiectasia, complementation group D; AT, COMPLEMENTATION GROUP C; ATAXIA-TELANGIECTASIA, COMPLEMENTATION GROUP A. Identifiers: Orphanet 100, MedGen C0004135, MONDO:0008840, OMIM 208900.

Submissions (4):

Myriad Genetics, Inc.
Classification: Pathogenic for Familial cancer of breast. Last evaluated: 2024-01-29. Review status: criteria provided, single submitter. Criteria: Myriad Autosomal Dominant, Autosomal Recessive and X-Linked Classification Criteria (2023). Collection method: clinical testing. Allele origin: unknown.
Comment: This variant is considered pathogenic. This variant creates a frameshift predicted to result in premature protein truncation.

Labcorp Genetics (formerly Invitae), Labcorp
Classification: Pathogenic for Ataxia-telangiectasia syndrome. Last evaluated: 2023-03-24. Review status: criteria provided, single submitter. Criteria: Invitae Variant Classification Sherloc (09022015). Collection method: clinical testing. Allele origin: germline.
Comment: This sequence change creates a premature translational stop signal (p.Glu2094Asnfs*2) in the ATM gene. It is expected to result in an absent or disrupted protein product. Loss-of-function variants in ATM are known to be pathogenic (PMID: 23807571, 25614872). This variant is not present in population databases (gnomAD no frequency). This variant has not been reported in the literature in individuals affected with ATM-related conditions. ClinVar contains an entry for this variant (Variation ID: 569451). For these reasons, this variant has been classified as Pathogenic.

Mendelics
Classification: Pathogenic for Familial cancer of breast. Last evaluated: 2022-05-04. Review status: criteria provided, single submitter. Criteria: Mendelics Assertion Criteria 2019. Collection method: clinical testing. Allele origin: germline.

Ambry Genetics
Classification: Pathogenic for Hereditary cancer-predisposing syndrome. Last evaluated: 2019-10-08. Review status: criteria provided, single submitter. Criteria: Ambry Variant Classification Scheme 2023. Collection method: clinical testing. Allele origin: germline.
Comment: The c.6280delG pathogenic mutation, located in coding exon 42 of the ATM gene, results from a deletion of one nucleotide at nucleotide position 6280, causing a translational frameshift with a predicted alternate stop codon (p.E2094Nfs*2). This alteration is expected to result in loss of function by premature protein truncation or nonsense-mediated mRNA decay. As such, this alteration is interpreted as a disease-causing mutation.

Literature cited by the submitters: PubMed 23807571 (cited by Labcorp Genetics (formerly Invitae), Labcorp); PubMed 25614872 (cited by Labcorp Genetics (formerly Invitae), Labcorp).

NM_000051.4(ATM):c.6280del (p.Glu2094fs)

Genes: ATM (ATM serine/threonine kinase; plus strand), C11orf65 (chromosome 11 open reading frame 65; minus strand). Cytogenetic location: 11q22.3.
Variant type: Deletion.
Coding change: c.6280del on transcript NM_000051.4 (MANE Select); coding-DNA position 6280, one base deleted (G; older notation c.6280delG).
Protein change: p.Glu2094fs; shifts the reading frame from glutamic acid 2094.
Molecular consequence: frameshift variant. On other transcripts: intron variant (2).
Genome position (GRCh38, 1-based): chr11:108,317,454, G deleted. VCF-style (leftmost placement, unchanged base first): chr11-108317453-TG-T. GRCh37 (hg19) VCF-style: chr11-108188180-TG-T.
Other names: c.6280del, p.Glu2094fs (NM_001351834.2); c.641-8383del (NM_001330368.2); c.*39-8383del (NM_001351110.2); short protein forms E2094fs.
Identifiers: ClinVar variation 569451 (VCV000569451.14), dbSNP rs1565503198, ClinGen allele CA891842650.
Genomic context (GRCh38, chr11:108,317,453, plus strand): 5'-CTGCCATATTCTTTCCGTCTATTTAAAAGGATTGGATTATGAAAATAAAGACTGGTGTCC[TG>T]AACTAGAAGAACTTCATTACCAAGCAGCATGGAGGAATATGCAGTGGGACCATTGCACTT-3'